The following is an entry in ClinVar:

ClinVar aggregate classification (germline): Benign (1 of 4 stars; one submission).

Conditions:
MELAS syndrome (MELAS). Also called: Juvenile myopathy, encephalopathy, lactic acidosis, stroke. Identifiers: Orphanet 550, MedGen C0162671, MONDO:0010789, OMIM 540000.

Submission:

Wong Mito Lab, Molecular and Human Genetics, Baylor College of Medicine
Classification: Benign for MELAS syndrome. Last evaluated: 2019-07-12. Review status: criteria provided, single submitter. Criteria: Modified ACMG Guidelines (Unpublished). Collection method: clinical testing. Allele origin: germline.
Comment: The NC_012920.1:m.5783G>A variant in MT-TC gene is interpreted to be a Benign variant based on the modified ACMG guidelines (unpublished). This variant meets the following evidence codes reported in the guidelines: BS1, BS2

Literature cited by the submitters: PubMed 31965079; PubMed 16955414.

NC_012920.1(MT-TC):m.5783G>A

Gene: MT-TC (mitochondrially encoded tRNA cysteine; minus strand).
Variant type: single nucleotide variant.
Genome position: chrM-5783-G-A.
Identifiers: ClinVar variation 689987 (VCV000689987.1), dbSNP rs1603220110, ClinGen allele CA913180446.